The following is an entry in ClinVar:

ClinVar aggregate classification (germline): Likely pathogenic (1 of 4 stars; one submission).

Conditions:
Leukodystrophy and acquired microcephaly with or without dystonia;. Also called: Leukodystrophy and acquired microcephaly with or without dystonia. Identifiers: MedGen C4225213, MONDO:0014766, OMIM 616763.

Allele frequency attached by ClinVar (database versions not stated): gnomAD exomes below 0.00001.
gnomAD v4.1: 1 of 1,614,170 alleles (0.000062%); highest among the groups gnomAD compares: Non-Finnish European, 0.000085%; no homozygotes.

Submission:

Neuberg Centre For Genomic Medicine, NCGM
Classification: Likely pathogenic for Leukodystrophy and acquired microcephaly with or without dystonia;. Review status: criteria provided, single submitter. Criteria: ACMG Guidelines, 2015. Collection method: clinical testing. Allele origin: germline. Inheritance: Autosomal recessive inheritance. Affected: yes.
Comment: The c.1270C>T (p.Gln424Ter) stop gained variant in PLEKHG2 gene has not been reported previously as a pathogenic variant nor as a benign variant, to our knowledge. The p.Gln424Ter variant is novel (not in any individuals) in gnomAD Exomes and is novel (not in any individuals) in 1000 Genomes. The nucleotide change c.1270C>T in PLEKHG2 is predicted as conserved by GERP++ and PhyloP across 100 vertebrates. This variant is predicted to cause loss of normal protein function through protein truncation. Loss of function variants have been previously reported to be disease causing. For these reasons, this variant has been classified as Likely Pathogenic.

NM_022835.3(PLEKHG2):c.1270C>T (p.Gln424Ter)

Gene: PLEKHG2 (pleckstrin homology and RhoGEF domain containing G2; plus strand). Cytogenetic location: 19q13.2.
Variant type: single nucleotide variant.
Coding change: c.1270C>T on transcript NM_022835.3 (MANE Select); coding-DNA position 1270, C replaced by T.
Protein change: p.Gln424Ter; replaces glutamine 424 with a stop codon.
Molecular consequence: nonsense.
Genome position (GRCh38, 1-based): chr19:39,420,632, C>T. VCF-style: chr19-39420632-C-T. GRCh37 (hg19) VCF-style: chr19-39911272-C-T.
Other names: c.1093C>T, p.Gln365Ter (NM_001351693.2); c.1270C>T, p.Gln424Ter (NM_001351694.2); short protein forms Q424*, Q365*.
Identifiers: ClinVar variation 2584971 (VCV002584971.1), dbSNP rs2514447074, ClinGen allele CA405792785.
Genomic context (GRCh38, chr19:39,420,632, plus strand): 5'-CTCTGTGGTACTCCAAGATCGACCCACCTCAGCCCTCATCCTCCTGTCTTTCAGGCAAAG[C>T]AAGTTCTCCTTGAAAACAGCCTGCATTGTGAGTTGGGGCCTTGGGCTGGGAGGGTGTGGA-3'